The following is an entry in ClinVar:

NM_206926.2(SELENON):c.183+116G>A

Gene: SELENON (selenoprotein N; plus strand). Cytogenetic location: 1p36.11.
Variant type: single nucleotide variant.
Coding change: c.183+116G>A on transcript NM_206926.2 (MANE Select); 116 bases into the intron after coding-DNA position 183, G replaced by A.
Molecular consequence: intron variant.
Genome position (GRCh38, 1-based): chr1:25,800,529, G>A. VCF-style: chr1-25800529-G-A. GRCh37 (hg19) VCF-style: chr1-26127020-G-A.
Other names: c.183+116G>A (NM_020451.3).
Identifiers: ClinVar variation 669363 (VCV000669363.3), dbSNP rs13373825, ClinGen allele CA10834686.
Genomic context (GRCh38, chr1:25,800,529, plus strand): 5'-GCCTCGGCAGCAGGGGGGACATGGGCATGGACGAGTCGGGGGAGGCGGAGGGCGGAGGGG[G>A]ACTGGACGGGAGGGAGCACGGGAAGGAGGGGACACGGGAGGCGGGTGGGGGGTGCCTGGG-3'

ClinVar aggregate classification (germline): Benign. Review status: criteria provided, multiple submitters, no conflicts (2 of 4 stars). 3 submissions from 3 submitters: Benign (3). Last evaluated 2024-08-22.

Allele frequency attached by ClinVar (database versions not stated): 1000 Genomes Project 0.87540; gnomAD exomes 0.81262; gnomAD 0.81358 and 0.81831; 1000 Genomes Project 30x 0.87086; TOPMed 0.82724.
gnomAD v4.1: 264,935 of 324,748 alleles (82%); highest among the groups gnomAD compares: East Asian, 98%; 109,423 homozygotes.

Submissions (3):

Women's Health and Genetics/Laboratory Corporation of America, LabCorp
Classification: Benign. Last evaluated: 2024-08-22. Review status: criteria provided, single submitter. Criteria: LabCorp Variant Classification Summary - May 2015. Collection method: clinical testing. Allele origin: germline.
Comment: Variant summary: SELENON c.183+116G>A is located at a position not widely known to affect splicing. The variant allele was found at a frequency of 0.82 in 324748 control chromosomes, suggesting that it is the major allele and therefore benign. The observed variant frequency is approximately 729.69 fold of the estimated maximal expected allele frequency for a pathogenic variant in SELENON causing Eichsfeld Type Congenital Muscular Dystrophy phenotype (0.0011). To our knowledge, no occurrence of c.183+116G>A in individuals affected with Eichsfeld Type Congenital Muscular Dystrophy and no experimental evidence demonstrating its impact on protein function have been reported. ClinVar contains an entry for this variant (Variation ID: 669363). Based on the evidence outlined above, the variant was classified as benign.

GeneDx
Classification: Benign. Last evaluated: 2018-06-14. Review status: criteria provided, single submitter. Criteria: GeneDx Variant Classification (06012015). Collection method: clinical testing. Allele origin: germline. Affected: yes.
Comment: This variant is considered likely benign or benign based on one or more of the following criteria: it is a conservative change, it occurs at a poorly conserved position in the protein, it is predicted to be benign by multiple in silico algorithms, and/or has population frequency not consistent with disease.

Breakthrough Genomics
Classification: Benign. Review status: criteria provided, single submitter. Criteria: ACMG Guidelines, 2015. Collection method: not provided. Allele origin: germline. Inheritance: Autosomal recessive inheritance. Affected: yes.